The following is an entry in ClinVar:

ClinVar aggregate classification (germline): Uncertain significance. Review status: criteria provided, multiple submitters, no conflicts (2 of 4 stars). 4 submissions from 4 submitters: Uncertain significance (4). Last evaluated 2025-06-12.

Conditions:
Isolated focal cortical dysplasia type II (FCORD2). Also called: CORTICAL DYSPLASIA OF TAYLOR; Focal cortical dysplasia type II. Identifiers: Orphanet 268994, MedGen C1846385, MONDO:0011818, OMIM 607341, HP:0032051.
Tuberous sclerosis 1 (TSC1). Identifiers: Orphanet 805, MedGen C1854465, MONDO:0008612, OMIM 191100.
Hereditary cancer-predisposing syndrome. Also called: Neoplastic Syndromes, Hereditary; Hereditary Cancer Syndrome; Hereditary neoplastic syndrome; Tumor predisposition. Identifiers: Orphanet 140162, MedGen C0027672, MeSH D009386, MONDO:0015356.

Allele frequency attached by ClinVar (database versions not stated): gnomAD exomes below 0.00001.
gnomAD v4.1: 4 of 1,614,174 alleles (0.00025%); highest among the groups gnomAD compares: East Asian, 0.0022%; no homozygotes.

Submissions (4):

Labcorp Genetics (formerly Invitae), Labcorp
Classification: Uncertain significance for Tuberous sclerosis 1. Last evaluated: 2025-06-12. Review status: criteria provided, single submitter. Criteria: Invitae Variant Classification Sherloc (09022015). Collection method: clinical testing. Allele origin: germline.
Comment: This sequence change replaces arginine, which is basic and polar, with cysteine, which is neutral and slightly polar, at codon 768 of the TSC1 protein (p.Arg768Cys). This variant is not present in population databases (gnomAD no frequency). This variant has not been reported in the literature in individuals affected with TSC1-related conditions. ClinVar contains an entry for this variant (Variation ID: 643306). Invitae Evidence Modeling of protein sequence and biophysical properties (such as structural, functional, and spatial information, amino acid conservation, physicochemical variation, residue mobility, and thermodynamic stability) indicates that this missense variant is not expected to disrupt TSC1 protein function with a negative predictive value of 95%. In summary, the available evidence is currently insufficient to determine the role of this variant in disease. Therefore, it has been classified as a Variant of Uncertain Significance.

Ambry Genetics
Classification: Uncertain significance for Hereditary cancer-predisposing syndrome. Last evaluated: 2025-01-10. Review status: criteria provided, single submitter. Criteria: Ambry Variant Classification Scheme 2023. Collection method: clinical testing. Allele origin: germline.
Comment: The p.R768C variant (also known as c.2302C>T), located in coding exon 16 of the TSC1 gene, results from a C to T substitution at nucleotide position 2302. The arginine at codon 768 is replaced by cysteine, an amino acid with highly dissimilar properties. This amino acid position is well conserved in available vertebrate species. In addition, the in silico prediction for this alteration is inconclusive. Based on the available evidence, the clinical significance of this variant remains unclear.

Baylor Genetics
Classification: Uncertain significance for Isolated focal cortical dysplasia type II. Last evaluated: 2023-11-09. Review status: criteria provided, single submitter. Criteria: ACMG Guidelines, 2015. Collection method: clinical testing. Allele origin: unknown.

GeneDx
Classification: Uncertain significance. Last evaluated: 2023-03-07. Review status: criteria provided, single submitter. Criteria: GeneDx Variant Classification Process June 2021. Collection method: clinical testing. Allele origin: germline. Affected: yes.
Comment: Not observed at significant frequency in large population cohorts (gnomAD); In silico analysis supports that this missense variant does not alter protein structure/function; Has not been previously published as pathogenic or benign to our knowledge; This variant is associated with the following publications: (PMID: 18466115)

NM_000368.5(TSC1):c.2302C>T (p.Arg768Cys)

Gene: TSC1 (TSC complex subunit 1; minus strand). Cytogenetic location: 9q34.13.
Variant type: single nucleotide variant.
Coding change: c.2302C>T on transcript NM_000368.5 (MANE Select); coding-DNA position 2302, C replaced by T.
Protein change: p.Arg768Cys; replaces arginine 768 with cysteine.
Molecular consequence: missense variant.
Genome position (GRCh38, 1-based): chr9:132,902,694, G>A on the plus strand (C>T on the coding strand, the complement: TSC1 is on the minus strand). VCF-style: chr9-132902694-G-A. GRCh37 (hg19) VCF-style: chr9-135778081-G-A.
Other names: c.2299C>T, p.Arg767Cys (NM_001162426.2); c.2149C>T, p.Arg717Cys (NM_001162427.2); c.1939C>T, p.Arg647Cys (NM_001362177.2); short protein forms R767C, R717C, R768C, R647C.
Identifiers: ClinVar variation 643306 (VCV000643306.13), dbSNP rs1588301564, ClinGen allele CA375359642.